The following is an entry in ClinVar:

NM_000540.3(RYR1):c.9234-13G>A

Gene: RYR1 (ryanodine receptor 1; plus strand). Cytogenetic location: 19q13.2.
Variant type: single nucleotide variant.
Coding change: c.9234-13G>A on transcript NM_000540.3 (MANE Select); 13 bases into the intron before coding-DNA position 9234, G replaced by A.
Molecular consequence: intron variant.
Genome position (GRCh38, 1-based): chr19:38,512,232, G>A. VCF-style: chr19-38512232-G-A. GRCh37 (hg19) VCF-style: chr19-39002872-G-A.
Other names: c.9234-13G>A (NM_001042723.2).
Identifiers: ClinVar variation 507198 (VCV000507198.11), dbSNP rs141299670, ClinGen allele CA073410.

ClinVar aggregate classification (germline): Likely benign. Review status: criteria provided, multiple submitters, no conflicts (2 of 4 stars). 5 submissions from 5 submitters: Likely benign (5). Last evaluated 2025-12-20.

Conditions:
RYR1-related disorder. Also called: RYR1-related disorders; RYR1-related condition. Identifiers: MedGen CN239331.
Malignant hyperthermia, susceptibility to, 1 (MHS1). Also called: Anesthesia related hyperthermia; Malignant hyperpyrexia; Fulminating hyperpyrexia; Pharmacogenic myopathy; RYR1-Related Malignant Hyperthermia Susceptibility; Malignant hyperthermia suceptibility 1. Identifiers: Orphanet 423, MedGen C2930980, MONDO:0007783, OMIM 145600.

Allele frequency attached by ClinVar (database versions not stated): gnomAD 0.00001 and 0.00003; gnomAD exomes 0.00001; ExAC 0.00002; TOPMed 0.00002; 1000 Genomes Project 0.00040; 1000 Genomes Project 30x 0.00062.
gnomAD v4.1: 15 of 1,614,094 alleles (0.00093%); highest among the groups gnomAD compares: Admixed American, 0.0083%; no homozygotes.

Submissions (5):

Labcorp Genetics (formerly Invitae), Labcorp
Classification: Likely benign for RYR1-related disorder. Last evaluated: 2025-12-20. Review status: criteria provided, single submitter. Criteria: Invitae Variant Classification Sherloc (09022015). Collection method: clinical testing. Allele origin: germline.

Women's Health and Genetics/Laboratory Corporation of America, LabCorp
Classification: Likely benign. Last evaluated: 2024-06-10. Review status: criteria provided, single submitter. Criteria: LabCorp Variant Classification Summary - May 2015. Collection method: clinical testing. Allele origin: germline.
Comment: Variant summary: RYR1 c.9234-13G>A alters a non-conserved nucleotide located at a position not widely known to affect splicing. Consensus agreement among computation tools predict no significant impact on normal splicing. However, these predictions have yet to be confirmed by functional studies. The variant allele was found at a frequency of 1.2e-05 in 251292 control chromosomes. The available data on variant occurrences in the general population are insufficient to allow any conclusion about variant significance. To our knowledge, no occurrence of c.9234-13G>A in individuals affected with Myopathy, RYR1-Associated and no experimental evidence demonstrating its impact on protein function have been reported. ClinVar contains an entry for this variant (Variation ID: 507198). Based on the evidence outlined above, the variant was classified as likely benign.

Color Diagnostics, LLC DBA Color Health
Classification: Likely benign for Malignant hyperthermia, susceptibility to, 1. Last evaluated: 2022-12-12. Review status: criteria provided, single submitter. Criteria: ACMG Guidelines, 2015. Collection method: clinical testing. Allele origin: germline.

Blueprint Genetics
Classification: Likely benign. Last evaluated: 2022-11-15. Review status: criteria provided, single submitter. Criteria: ACMG Guidelines, 2015. Collection method: clinical testing. Allele origin: germline.

GeneDx
Classification: Likely benign. Last evaluated: 2017-02-02. Review status: criteria provided, single submitter. Criteria: GeneDx Variant Classification (06012015). Collection method: clinical testing. Allele origin: germline. Affected: yes.
Comment: This variant is considered likely benign or benign based on one or more of the following criteria: it is a conservative change, it occurs at a poorly conserved position in the protein, it is predicted to be benign by multiple in silico algorithms, and/or has population frequency not consistent with disease.